The following is an entry in ClinVar:

NM_001025356.3(ANO6):c.1255C>T (p.Arg419Ter)

Gene: ANO6 (anoctamin 6; plus strand). Cytogenetic location: 12q12.
Variant type: single nucleotide variant.
Coding change: c.1255C>T on transcript NM_001025356.3 (MANE Select); coding-DNA position 1255, C replaced by T.
Protein change: p.Arg419Ter; replaces arginine 419 with a stop codon.
Molecular consequence: nonsense.
Genome position (GRCh38, 1-based): chr12:45,388,250, C>T. VCF-style: chr12-45388250-C-T. GRCh37 (hg19) VCF-style: chr12-45782033-C-T.
Other names: R440*; c.1201C>T, p.Arg401Ter (NM_001142678.2); c.1255C>T, p.Arg419Ter (NM_001142679.2); c.1318C>T, p.Arg440Ter (NM_001204803.2); c.1222C>T, p.Arg408Ter (NM_001410973.1); short protein forms R401*, R408*, R419*.
Identifiers: ClinVar variation 2626770 (VCV002626770.3), dbSNP rs549442808, ClinGen allele CA6525273.

ClinVar aggregate classification (germline): Pathogenic. Review status: criteria provided, single submitter (1 of 4 stars). 2 submissions from 2 submitters: Pathogenic (1). 1 of the submissions does not count toward it. Last evaluated 2024-07-16.

Conditions:
SCOTT SYNDROME (SCTS). Also called: BLEEDING DISORDER, PLATELET-TYPE, 7; PROTHROMBIN CONSUMPTION DEFICIENCY; PROTHROMBIN CONSUMPTION INHIBITOR, FAMILIAL; PROTHROMBIN CONVERSION DEFECT, FAMILIAL; Platelet factor X receptor deficiency; BLEEDING ABNORMALITY DUE TO DEFICIENCY OF PLATELET BINDING OF FACTOR X. Identifiers: Orphanet 806, MedGen C0796149, MONDO:0009885, OMIM 262890.

Allele frequency attached by ClinVar (database versions not stated): gnomAD exomes below 0.00001; ExAC 0.00001; gnomAD 0.00001; 1000 Genomes Project 0.00020; 1000 Genomes Project 30x 0.00031.

Submissions (2):

Labcorp Genetics (formerly Invitae), Labcorp
Classification: Pathogenic. Last evaluated: 2024-07-16. Review status: criteria provided, single submitter. Criteria: Invitae Variant Classification Sherloc (09022015). Collection method: clinical testing. Allele origin: germline.
Comment: This sequence change creates a premature translational stop signal (p.Arg419*) in the ANO6 gene. It is expected to result in an absent or disrupted protein product. Loss-of-function variants in ANO6 are known to be pathogenic (PMID: 21107324, 21511967, 27879994). This variant is present in population databases (rs549442808, gnomAD 0.007%). This variant has not been reported in the literature in individuals affected with ANO6-related conditions. ClinVar contains an entry for this variant (Variation ID: 2626770). Algorithms developed to predict the effect of sequence changes on RNA splicing suggest that this variant may disrupt the consensus splice site. For these reasons, this variant has been classified as Pathogenic.

OMIM
Classification: Pathogenic for SCOTT SYNDROME. Last evaluated: 2023-10-23. Review status: no assertion criteria provided. Collection method: literature only. Allele origin: germline. Not counted in ClinVar's aggregate classification.

Literature cited by the submitters: PubMed 21107324 (cited by Labcorp Genetics (formerly Invitae), Labcorp); PubMed 21511967 (cited by Labcorp Genetics (formerly Invitae), Labcorp); PubMed 27879994 (cited by Labcorp Genetics (formerly Invitae), Labcorp); PubMed 37455884 (cited by OMIM).